The following is an entry in ClinVar:

ClinVar aggregate classification (germline): Conflicting classifications of pathogenicity. Review status: criteria provided, conflicting classifications (1 of 4 stars). 4 submissions from 4 submitters: Uncertain significance (1); Likely benign (2). 1 of the submissions does not count toward it. Last evaluated 2024-11-11.

Conditions:
ASXL2-related disorder. Also called: ASXL2-related condition.
Inborn genetic diseases. Identifiers: MedGen C0950123, MeSH D030342.

Allele frequency attached by ClinVar (database versions not stated): gnomAD 0.00006 and 0.00007; TOPMed 0.00010; 1000 Genomes Project 0.00020; 1000 Genomes Project 30x 0.00031.
gnomAD v4.1: 49 of 1,613,814 alleles (0.003%); highest among the groups gnomAD compares: South Asian, 0.024%; no homozygotes.

Submissions (4):

Labcorp Genetics (formerly Invitae), Labcorp
Classification: Uncertain significance. Last evaluated: 2024-11-11. Review status: criteria provided, single submitter. Criteria: Invitae Variant Classification Sherloc (09022015). Collection method: clinical testing. Allele origin: germline.
Comment: This sequence change replaces arginine, which is basic and polar, with histidine, which is basic and polar, at codon 1283 of the ASXL2 protein (p.Arg1283His). This variant is present in population databases (rs572342520, gnomAD 0.03%), and has an allele count higher than expected for a pathogenic variant. This variant has not been reported in the literature in individuals affected with ASXL2-related conditions. ClinVar contains an entry for this variant (Variation ID: 1383623). Invitae Evidence Modeling of protein sequence and biophysical properties (such as structural, functional, and spatial information, amino acid conservation, physicochemical variation, residue mobility, and thermodynamic stability) indicates that this missense variant is not expected to disrupt ASXL2 protein function with a negative predictive value of 80%. In summary, the available evidence is currently insufficient to determine the role of this variant in disease. Therefore, it has been classified as a Variant of Uncertain Significance.

Ambry Genetics
Classification: Likely benign for Inborn genetic diseases. Last evaluated: 2023-12-13. Review status: criteria provided, single submitter. Criteria: Ambry Variant Classification Scheme 2023. Collection method: clinical testing. Allele origin: germline.

CeGaT Center for Human Genetics Tuebingen
Classification: Likely benign. Last evaluated: 2023-04-01. Review status: criteria provided, single submitter. Criteria: CeGaT Center For Human Genetics Tuebingen Variant Classification Criteria Version 2. Collection method: clinical testing. Allele origin: germline. Affected: yes. Observed: 1 variant allele.
Comment: ASXL2: BP4, BS2

PreventionGenetics, part of Exact Sciences
Classification: Uncertain significance for ASXL2-related condition. Last evaluated: 2024-03-11. Review status: no assertion criteria provided. Collection method: clinical testing. Allele origin: germline. Not counted in ClinVar's aggregate classification.
Comment: The ASXL2 c.3848G>A variant is predicted to result in the amino acid substitution p.Arg1283His. To our knowledge, this variant has not been reported in the literature. This variant is reported in 0.033% of alleles in individuals of South Asian descent in gnomAD. Although we suspect that this variant may be benign, at this time, the clinical significance of this variant is uncertain due to the absence of conclusive functional and genetic evidence.

NM_018263.6(ASXL2):c.3848G>A (p.Arg1283His)

Gene: ASXL2 (ASXL transcriptional regulator 2; minus strand). Cytogenetic location: 2p23.3.
Variant type: single nucleotide variant.
Coding change: c.3848G>A on transcript NM_018263.6 (MANE Select); coding-DNA position 3848, G replaced by A.
Protein change: p.Arg1283His; replaces arginine 1283 with histidine.
Molecular consequence: missense variant.
Genome position (GRCh38, 1-based): chr2:25,742,489, C>T on the plus strand (G>A on the coding strand, the complement: ASXL2 is on the minus strand). VCF-style: chr2-25742489-C-T. GRCh37 (hg19) VCF-style: chr2-25965358-C-T.
Other names: c.3848G>A (NM_018263.4); c.3674G>A, p.Arg1225His (NM_001369346.1); c.3068G>A, p.Arg1023His (NM_001369347.1); short protein forms R1225H, R1283H, R1023H.
Identifiers: ClinVar variation 1383623 (VCV001383623.32), dbSNP rs572342520, ClinGen allele CA1557413.